The following is an entry in ClinVar:

NM_000045.4(ARG1):c.938del (p.Lys313fs)

Genes: ARG1 (arginase 1; plus strand), MED23 (mediator complex subunit 23; minus strand). Cytogenetic location: 6q23.2.
Variant type: Deletion.
Coding change: c.938del on transcript NM_000045.4 (MANE Select); coding-DNA position 938, one base deleted (A; older notation c.938delA).
Protein change: p.Lys313fs; shifts the reading frame from lysine 313.
Molecular consequence: frameshift variant. On other transcripts: non-coding transcript variant (1), intron variant (2).
Genome position (GRCh38, 1-based): chr6:131,583,877, A deleted; the last of 2 consecutive A bases (chr6:131,583,876-131,583,877); deleting either gives the same sequence. VCF-style (leftmost placement, unchanged base first): chr6-131583875-CA-C. GRCh37 (hg19) VCF-style: chr6-131905015-CA-C.
Other names: c.962del, p.Lys321fs (NM_001244438.2); c.683del, p.Lys228fs (NM_001369020.1); c.4077+3833del (NM_001270521.2); c.4095+3833del (NM_015979.4); short protein forms K313fs, K228fs, K321fs.
Identifiers: ClinVar variation 459925 (VCV000459925.14), dbSNP rs1554251356, ClinGen allele CA570508601.

ClinVar aggregate classification (germline): Pathogenic/Likely pathogenic. Review status: criteria provided, multiple submitters, no conflicts (2 of 4 stars). 3 submissions from 3 submitters: Pathogenic (2); Likely pathogenic (1). Last evaluated 2025-12-22.

Conditions:
Arginase deficiency. Also called: ARG1 DEFICIENCY; Arginase 1 Deficiency; ARGININEMIA. Identifiers: Orphanet 90, MedGen C0268548, MONDO:0008814, OMIM 207800.

Submissions (3):

Labcorp Genetics (formerly Invitae), Labcorp
Classification: Pathogenic for Arginase deficiency. Last evaluated: 2025-12-22. Review status: criteria provided, single submitter. Criteria: Invitae Variant Classification Sherloc (09022015). Collection method: clinical testing. Allele origin: germline.
Comment: This sequence change is expected to alter the c-terminus of the ARG1 protein (p.Lys313Serfs*22). While this is not anticipated to result in nonsense mediated decay, it is expected to disrupt the last 10 amino acid(s) of the ARG1 protein and extend the protein by 11 additional amino acid residues. This variant is present in population databases (no rsID available, gnomAD 0.01%). This frameshift has been observed in individual(s) with arginase deficiency (internal data). In at least one individual the data is consistent with being in trans (on the opposite chromosome) from a pathogenic variant. It has also been observed to segregate with disease in related individuals. ClinVar contains an entry for this variant (Variation ID: 459925). For these reasons, this variant has been classified as Pathogenic.

Baylor Genetics
Classification: Pathogenic for Arginase deficiency. Last evaluated: 2024-03-20. Review status: criteria provided, single submitter. Criteria: ACMG Guidelines, 2015. Collection method: clinical testing. Allele origin: unknown.

Women's Health and Genetics/Laboratory Corporation of America, LabCorp
Classification: Likely pathogenic for Arginase deficiency. Last evaluated: 2022-05-31. Review status: criteria provided, single submitter. Criteria: LabCorp Variant Classification Summary - May 2015. Collection method: clinical testing. Allele origin: germline.
Comment: Variant summary: ARG1 c.938delA (p.Lys313SerfsX22) causes a frameshift which results in an extension of the protein. The variant allele was found at a frequency of 1.6e-05 in 251050 control chromosomes. c.938delA has been reported in the literature in settings of exome sequencing in newborn screening for inborn errors of metabolism, however the exact clinical details, genotype, zygosity are not specified (example, Adhikari_2020). These report(s) do not provide unequivocal conclusions about association of the variant with Arginase Deficiency. To our knowledge, no experimental evidence demonstrating an impact on protein function has been reported. One clinical diagnostic laboratory has submitted clinical-significance assessments for this variant to ClinVar after 2014 without evidence for independent evaluation and classified the variant as pathogenic. Based on the evidence outlined above, the variant was classified as likely pathogenic.

Literature cited by the submitters: PubMed 32778825 (cited by Women's Health and Genetics/Laboratory Corporation of America, LabCorp).